The following is an entry in ClinVar:

NM_001365951.3(KIF1B):c.2636C>T (p.Pro879Leu)

Gene: KIF1B (kinesin family member 1B; plus strand). Cytogenetic location: 1p36.22.
Variant type: single nucleotide variant.
Coding change: c.2636C>T on transcript NM_001365951.3 (MANE Select); coding-DNA position 2636, C replaced by T.
Protein change: p.Pro879Leu; replaces proline 879 with leucine.
Molecular consequence: missense variant.
Genome position (GRCh38, 1-based): chr1:10,324,856, C>T. VCF-style: chr1-10324856-C-T. GRCh37 (hg19) VCF-style: chr1-10384914-C-T.
Other names: c.2636C>T, p.Pro879Leu (NM_001365952.1); c.2498C>T, p.Pro833Leu (NM_015074.3); short protein forms P833L, P879L.
Identifiers: ClinVar variation 1718382 (VCV001718382.5), dbSNP rs868121476, ClinGen allele CA17836404.

ClinVar aggregate classification (germline): Uncertain significance (1 of 4 stars; one submission).

Conditions:
Charcot-Marie-Tooth disease type 2. Also called: Charcot-Marie-Tooth type 2. Identifiers: Orphanet 64746, MedGen C0270914, MONDO:0018993.

Submission:

Labcorp Genetics (formerly Invitae), Labcorp
Classification: Uncertain significance for Charcot-Marie-Tooth disease type 2. Last evaluated: 2022-08-30. Review status: criteria provided, single submitter. Criteria: Invitae Variant Classification Sherloc (09022015). Collection method: clinical testing. Allele origin: germline.
Comment: This sequence change replaces proline, which is neutral and non-polar, with leucine, which is neutral and non-polar, at codon 833 of the KIF1B protein (p.Pro833Leu). This variant is not present in population databases (gnomAD no frequency). This variant has not been reported in the literature in individuals affected with KIF1B-related conditions. Algorithms developed to predict the effect of missense changes on protein structure and function are either unavailable or do not agree on the potential impact of this missense change (SIFT: "Deleterious"; PolyPhen-2: "Probably Damaging"; Align-GVGD: "Class C0"). In summary, the available evidence is currently insufficient to determine the role of this variant in disease. Therefore, it has been classified as a Variant of Uncertain Significance.